The following is an entry in ClinVar:

ClinVar aggregate classification (germline): Uncertain significance (1 of 4 stars; one submission).

gnomAD v4.1: 3 of 1,613,028 alleles (0.00019%); highest among the groups gnomAD compares: African/African-American, 0.0013%; no homozygotes.

Submission:

Labcorp Genetics (formerly Invitae), Labcorp
Classification: Uncertain significance. Last evaluated: 2024-03-07. Review status: criteria provided, single submitter. Criteria: Invitae Variant Classification Sherloc (09022015). Collection method: clinical testing. Allele origin: germline.
Comment: This sequence change replaces arginine, which is basic and polar, with serine, which is neutral and polar, at codon 486 of the CTNNB1 protein (p.Arg486Ser). This variant is present in population databases (no rsID available, gnomAD 0.0009%). This variant has not been reported in the literature in individuals affected with CTNNB1-related conditions. Advanced modeling of protein sequence and biophysical properties (such as structural, functional, and spatial information, amino acid conservation, physicochemical variation, residue mobility, and thermodynamic stability) performed at Invitae indicates that this missense variant is expected to disrupt CTNNB1 protein function with a positive predictive value of 80%. In summary, the available evidence is currently insufficient to determine the role of this variant in disease. Therefore, it has been classified as a Variant of Uncertain Significance.

NM_001904.4(CTNNB1):c.1456C>A (p.Arg486Ser)

Genes: CTNNB1 (catenin beta 1; plus strand), LOC126806659 (BRD4-independent group 4 enhancer GRCh37_chr3:41274918-41276117; plus strand). Cytogenetic location: 3p22.1.
Variant type: single nucleotide variant.
Coding change: c.1456C>A on transcript NM_001904.4 (MANE Select); coding-DNA position 1456, C replaced by A.
Protein change: p.Arg486Ser; replaces arginine 486 with serine.
Molecular consequence: missense variant.
Genome position (GRCh38, 1-based): chr3:41,233,799, C>A. VCF-style: chr3-41233799-C-A. GRCh37 (hg19) VCF-style: chr3-41275290-C-A.
Other names: c.1456C>A, p.Arg486Ser (NM_001098209.2, NM_001098210.2); c.1435C>A, p.Arg479Ser (NM_001330729.2); short protein forms R486S, R479S.
Identifiers: ClinVar variation 3644894 (VCV003644894.2).